The following is an entry in ClinVar:

ClinVar aggregate classification (germline): Pathogenic (1 of 4 stars; one submission).

Conditions:
Developmental and epileptic encephalopathy, 9 (DEE9). Also called: PCDH19-Related X-Linked Female-Limited Epilepsy with Mental Retardation; EPILEPSY, FEMALE-RESTRICTED, WITH MENTAL RETARDATION; Early infantile epileptic encephalopathy 9; JUBERG-HELLMAN SYNDROME. Identifiers: Orphanet 101039, Orphanet 2076, MedGen C1848137, MONDO:0010246, OMIM 300088. Disease mechanism: loss of function.

Submission:

Labcorp Genetics (formerly Invitae), Labcorp
Classification: Pathogenic for Developmental and epileptic encephalopathy, 9. Last evaluated: 2020-12-16. Review status: criteria provided, single submitter. Criteria: Invitae Variant Classification Sherloc (09022015). Collection method: clinical testing. Allele origin: germline.
Comment: This sequence change creates a premature translational stop signal (p.Ile101Leufs*124) in the PCDH19 gene. It is expected to result in an absent or disrupted protein product. Loss-of-function variants in PCDH19 are known to be pathogenic (PMID: 21053371). This variant is not present in population databases (ExAC no frequency). This variant has not been reported in the literature in individuals with PCDH19-related conditions. For these reasons, this variant has been classified as Pathogenic.

Literature cited by the submitters: PubMed 21053371.

NM_001184880.2(PCDH19):c.300_301del (p.Ile101fs)

Gene: PCDH19 (protocadherin 19; minus strand). Cytogenetic location: Xq22.1.
Variant type: Deletion.
Coding change: c.300_301del on transcript NM_001184880.2 (MANE Select); coding-DNA positions 300 to 301, 2 bases deleted (CA; older notation c.300_301delCA).
Protein change: p.Ile101fs; shifts the reading frame from isoleucine 101.
Molecular consequence: frameshift variant.
Genome position (GRCh38, 1-based): chrX:100,408,297-100,408,298, TG deleted on the plus strand (CA on the coding strand, the reverse complement: PCDH19 is on the minus strand). VCF-style (leftmost placement, unchanged base first): chrX-100408296-ATG-A. GRCh37 (hg19) VCF-style: chrX-99663294-ATG-A.
Other names: c.300_301del, p.Ile101fs (NM_001105243.2, NM_020766.3); short protein forms I101fs.
Identifiers: ClinVar variation 1453761 (VCV001453761.6), dbSNP rs2147542217, ClinGen allele CA2573159047.